The following is an entry in ClinVar:

ClinVar aggregate classification (germline): Benign/Likely benign. Review status: criteria provided, multiple submitters, no conflicts (2 of 4 stars). 7 submissions from 7 submitters: Benign (1); Likely benign (6). Last evaluated 2026-01-24.

Conditions:
Collagen 6-related myopathy. Identifiers: MedGen CN117976, MONDO:0100225.
Bethlem myopathy 1A. Also called: Bethlem myopathy 1; MYOPATHY, BENIGN CONGENITAL, WITH CONTRACTURES; Bethlem Muscular Dystrophy. Identifiers: Orphanet 610, MedGen CN029274, MONDO:0024530, OMIM 158810.

Allele frequency attached by ClinVar (database versions not stated): ExAC 0.00143; TOPMed 0.00147; ESP Exome Variant Server 0.00154; 1000 Genomes Project 30x 0.00172; 1000 Genomes Project 0.00200.
gnomAD v4.1: 1,036 of 1,597,344 alleles (0.065%); highest among the groups gnomAD compares: African/African-American, 0.45%; 4 homozygotes.

Submissions (7):

Labcorp Genetics (formerly Invitae), Labcorp
Classification: Likely benign for Bethlem myopathy 1A. Last evaluated: 2026-01-24. Review status: criteria provided, single submitter. Criteria: Invitae Variant Classification Sherloc (09022015). Collection method: clinical testing. Allele origin: germline.

Mayo Clinic Laboratories, Mayo Clinic
Classification: Likely benign. Last evaluated: 2025-02-04. Review status: criteria provided, single submitter. Criteria: ACMG Guidelines, 2015. Collection method: clinical testing. Allele origin: germline. Observed: 4 variant alleles.
Comment: BS1, BP4

Athena Diagnostics
Classification: Likely benign. Last evaluated: 2024-10-25. Review status: criteria provided, single submitter. Criteria: Athena Diagnostics Criteria. Collection method: clinical testing. Allele origin: unknown.

GeneDx
Classification: Likely benign. Last evaluated: 2020-09-17. Review status: criteria provided, single submitter. Criteria: GeneDx Variant Classification Process June 2021. Collection method: clinical testing. Allele origin: germline. Affected: yes.
Comment: This variant is associated with the following publications: (PMID: 24036952, 18825676)

Illumina Laboratory Services, Illumina
Classification: Benign for Collagen VI-related myopathy. Last evaluated: 2018-01-13. Review status: criteria provided, single submitter. Criteria: ICSL Variant Classification Criteria 13 December 2019. Collection method: clinical testing. Allele origin: germline.
Comment: This variant was observed in the ICSL laboratory as part of a predisposition screen in an ostensibly healthy population. It had not been previously curated by ICSL or reported in the Human Gene Mutation Database (HGMD: prior to June 1st, 2018), and was therefore a candidate for classification through an automated scoring system. Utilizing variant allele frequency, disease prevalence and penetrance estimates, and inheritance mode, an automated score was calculated to assess if this variant is too frequent to cause the disease. Based on the score and internal cut-off values, a variant classified as benign is not then subjected to further curation. The score for this variant resulted in a classification of benign for this disease.

Eurofins Ntd Llc (ga)
Classification: Likely benign. Last evaluated: 2015-09-09. Review status: criteria provided, single submitter. Criteria: EGL Classification Definitions 2015. Collection method: clinical testing. Allele origin: germline. Observed: 1 variant allele, 1 heterozygote.

PreventionGenetics, part of Exact Sciences
Classification: Likely benign. Review status: criteria provided, single submitter. Criteria: ACMG Guidelines, 2015. Collection method: clinical testing. Allele origin: germline.

NM_001849.4(COL6A2):c.2600G>A (p.Arg867Gln)

Gene: COL6A2 (collagen type VI alpha 2 chain; plus strand). Cytogenetic location: 21q22.3.
Variant type: single nucleotide variant.
Coding change: c.2600G>A on transcript NM_001849.4 (MANE Select); coding-DNA position 2600, G replaced by A.
Protein change: p.Arg867Gln; replaces arginine 867 with glutamine.
Molecular consequence: missense variant.
Genome position (GRCh38, 1-based): chr21:46,132,092, G>A. VCF-style: chr21-46132092-G-A. GRCh37 (hg19) VCF-style: chr21-47552006-G-A.
Other names: p.Arg867Gln; short protein forms R867Q.
Identifiers: ClinVar variation 258330 (VCV000258330.23), dbSNP rs61735831, ClinGen allele CA10072943.